The following is an entry in ClinVar:

NM_002335.4(LRP5):c.4319C>T (p.Pro1440Leu)

Gene: LRP5 (LDL receptor related protein 5; plus strand). Cytogenetic location: 11q13.2.
Variant type: single nucleotide variant.
Coding change: c.4319C>T on transcript NM_002335.4 (MANE Select); coding-DNA position 4319, C replaced by T.
Protein change: p.Pro1440Leu; replaces proline 1440 with leucine.
Molecular consequence: missense variant.
Genome position (GRCh38, 1-based): chr11:68,438,653, C>T. VCF-style: chr11-68438653-C-T. GRCh37 (hg19) VCF-style: chr11-68206121-C-T.
Other names: c.4319C>T (NM_002335.3, NM_002335.2); c.2576C>T, p.Pro859Leu (NM_001291902.2); short protein forms P1440L, P859L.
Identifiers: ClinVar variation 1462668 (VCV001462668.31), dbSNP rs528693139, ClinGen allele CA6150311.
Genomic context (GRCh38, chr11:68,438,653, plus strand): 5'-GGCCCTTCCCGCACGAGTATGTCAGCGGGACCCCGCACGTGCCCCTCAATTTCATAGCCC[C>T]GGGCGGTTCCCAGCATGGCCCCTTCACAGGTAAGGAGCCTGAGATATGGAATGATCTGGA-3'
Protein context (NP_002326.2, residues 1430-1450): TPHVPLNFIA[Pro1440Leu]GGSQHGPFTG

ClinVar aggregate classification (germline): Uncertain significance. Review status: criteria provided, multiple submitters, no conflicts (2 of 4 stars). 5 submissions from 5 submitters: Uncertain significance (5). Last evaluated 2026-02-23.

Conditions:
Inborn genetic diseases. Identifiers: MedGen C0950123, MeSH D030342.
Exudative vitreoretinopathy 1 (EVR1). Also called: CRISWICK-SCHEPENS SYNDROME; FEVR, AUTOSOMAL DOMINANT; Familial exudative vitreoretinopathy, autosomal dominant. Identifiers: Orphanet 891, Orphanet 90050, MedGen C1851402, MONDO:0007589, OMIM 133780.
Osteoporosis with pseudoglioma (OPPG). Also called: osteoporosis-pseudoglioma syndrome. Identifiers: Orphanet 2788, MedGen C0432252, MONDO:0009820, OMIM 259770.
Exudative vitreoretinopathy 4 (EVR4). Identifiers: Orphanet 891, MedGen C1866176, MONDO:0011151, OMIM 601813.
Autosomal dominant osteopetrosis 1 (OPTA1). Also called: OSTEOPETROSIS, AUTOSOMAL DOMINANT, TYPE I. Identifiers: Orphanet 2783, MedGen C1843330, MONDO:0011877, OMIM 607634.
Osteoporosis. Identifiers: MedGen C0029456, MONDO:0005298, OMIM 166710, HP:0000939.
Polycystic liver disease 4 with or without kidney cysts. Identifiers: MedGen C4693479, MONDO:0044327, OMIM 617875.
Bone mineral density quantitative trait locus 1 (BMND1). Identifiers: MedGen C1866079, OMIM 601884.
Worth disease. Also called: ENDOSTEAL HYPEROSTOSIS, AUTOSOMAL DOMINANT; Autosomal dominant osteosclerosis, Worth type; OSTEOSCLEROSIS, AUTOSOMAL DOMINANT. Identifiers: Orphanet 2790, MedGen C0432273, MONDO:0007764, OMIM 144750.
LRP5-related disorder. Also called: LRP5-related condition.

Allele frequency attached by ClinVar (database versions not stated): ExAC 0.00003; gnomAD exomes 0.00003 and 0.00004; gnomAD 0.00004 and 0.00005; TOPMed 0.00006; 1000 Genomes Project 30x 0.00016; 1000 Genomes Project 0.00020.
gnomAD v4.1: 72 of 1,613,172 alleles (0.0045%); highest among the groups gnomAD compares: Admixed American, 0.0067%; no homozygotes.

Submissions (5):

PreventionGenetics, part of Exact Sciences
Classification: Uncertain significance for LRP5-related condition. Last evaluated: 2026-02-23. Review status: criteria provided, single submitter. Criteria: ACMG Guidelines, 2015. Collection method: clinical testing. Allele origin: germline.
Comment: The LRP5 c.4319C>T variant is predicted to result in the amino acid substitution p.Pro1440Leu. To our knowledge, this variant has not been reported in the literature. This variant is reported in 0.013% of alleles in individuals of African descent in gnomAD. At this time, the clinical significance of this variant is uncertain due to the absence of conclusive functional and genetic evidence.

Labcorp Genetics (formerly Invitae), Labcorp
Classification: Uncertain significance. Last evaluated: 2025-04-26. Review status: criteria provided, single submitter. Criteria: Invitae Variant Classification Sherloc (09022015). Collection method: clinical testing. Allele origin: germline.
Comment: This sequence change replaces proline, which is neutral and non-polar, with leucine, which is neutral and non-polar, at codon 1440 of the LRP5 protein (p.Pro1440Leu). This variant is present in population databases (rs528693139, gnomAD 0.01%). This variant has not been reported in the literature in individuals affected with LRP5-related conditions. ClinVar contains an entry for this variant (Variation ID: 1462668). Invitae Evidence Modeling of protein sequence and biophysical properties (such as structural, functional, and spatial information, amino acid conservation, physicochemical variation, residue mobility, and thermodynamic stability) indicates that this missense variant is not expected to disrupt LRP5 protein function with a negative predictive value of 95%. In summary, the available evidence is currently insufficient to determine the role of this variant in disease. Therefore, it has been classified as a Variant of Uncertain Significance.

Ambry Genetics
Classification: Uncertain significance for Inborn genetic diseases. Last evaluated: 2024-10-01. Review status: criteria provided, single submitter. Criteria: Ambry Variant Classification Scheme 2023. Collection method: clinical testing. Allele origin: germline.

CeGaT Center for Human Genetics Tuebingen
Classification: Uncertain significance. Last evaluated: 2024-01-01. Review status: criteria provided, single submitter. Criteria: CeGaT Center For Human Genetics Tuebingen Variant Classification Criteria Version 2. Collection method: clinical testing. Allele origin: germline. Affected: yes. Observed: 1 variant allele.

Fulgent Genetics
Classification: Uncertain significance for Exudative vitreoretinopathy 1; Worth disease; Osteoporosis; Osteoporosis with pseudoglioma; Exudative vitreoretinopathy 4; Bone mineral density quantitative trait locus 1; Autosomal dominant osteopetrosis 1; Polycystic liver disease 4 with or without kidney cysts. Last evaluated: 2021-07-15. Review status: criteria provided, single submitter. Criteria: ACMG Guidelines, 2015. Collection method: clinical testing. Allele origin: unknown.